The following is an entry in ClinVar:

NM_000191.3(HMGCL):c.878G>C (p.Gly293Ala)

Gene: HMGCL (3-hydroxy-3-methylglutaryl-CoA lyase; minus strand). Cytogenetic location: 1p36.11.
Variant type: single nucleotide variant.
Coding change: c.878G>C on transcript NM_000191.3 (MANE Select); coding-DNA position 878, G replaced by C.
Protein change: p.Gly293Ala; replaces glycine 293 with alanine.
Molecular consequence: missense variant.
Genome position (GRCh38, 1-based): chr1:23,802,563, C>G on the plus strand (G>C on the coding strand, the complement: HMGCL is on the minus strand). VCF-style: chr1-23802563-C-G. GRCh37 (hg19) VCF-style: chr1-24129053-C-G.
Other names: c.665G>C, p.Gly222Ala (NM_001166059.2); short protein forms G293A, G222A.
Identifiers: ClinVar variation 2132723 (VCV002132723.4), dbSNP rs1348862182, ClinGen allele CA339020098.

ClinVar aggregate classification (germline): Uncertain significance (1 of 4 stars; one submission).

Conditions:
Deficiency of hydroxymethylglutaryl-CoA lyase (HMGCLD). Also called: Defect in leucine metabolism; 3-hydroxy-3-methylglutaric aciduria; HMG-CoA LYASE DEFICIENCY; HMGCL DEFICIENCY; HYDROXYMETHYLGLUTARIC ACIDURIA. Identifiers: Orphanet 20, MedGen C1533587, MONDO:0009520, OMIM 246450.

Submission:

Labcorp Genetics (formerly Invitae), Labcorp
Classification: Uncertain significance for Deficiency of hydroxymethylglutaryl-CoA lyase. Last evaluated: 2021-11-23. Review status: criteria provided, single submitter. Criteria: Invitae Variant Classification Sherloc (09022015). Collection method: clinical testing. Allele origin: germline.
Comment: This variant has not been reported in the literature in individuals affected with HMGCL-related conditions. In summary, the available evidence is currently insufficient to determine the role of this variant in disease. Therefore, it has been classified as a Variant of Uncertain Significance. Algorithms developed to predict the effect of missense changes on protein structure and function (SIFT, PolyPhen-2, Align-GVGD) all suggest that this variant is likely to be disruptive. This variant is not present in population databases (gnomAD no frequency). This sequence change replaces glycine, which is neutral and non-polar, with alanine, which is neutral and non-polar, at codon 293 of the HMGCL protein (p.Gly293Ala).